The following is an entry in ClinVar:

ClinVar aggregate classification (germline): Likely benign. Review status: criteria provided, multiple submitters, no conflicts (2 of 4 stars). 3 submissions from 3 submitters: Likely benign (2). 1 of the submissions does not count toward it. Last evaluated 2025-09-10.

Conditions:
TUBA8-related disorder. Also called: TUBA8-related condition.

Allele frequency attached by ClinVar (database versions not stated): ExAC 0.00003; gnomAD exomes 0.00005 and 0.00014; gnomAD 0.00007 and 0.00008; ESP Exome Variant Server 0.00015.
gnomAD v4.1: 222 of 1,613,974 alleles (0.014%); highest among the groups gnomAD compares: Non-Finnish European, 0.017%; no homozygotes.

Submissions (3):

Labcorp Genetics (formerly Invitae), Labcorp
Classification: Likely benign. Last evaluated: 2025-09-10. Review status: criteria provided, single submitter. Criteria: Invitae Variant Classification Sherloc (09022015). Collection method: clinical testing. Allele origin: germline.

CeGaT Center for Human Genetics Tuebingen
Classification: Likely benign. Last evaluated: 2024-03-01. Review status: criteria provided, single submitter. Criteria: CeGaT Center For Human Genetics Tuebingen Variant Classification Criteria Version 2. Collection method: clinical testing. Allele origin: germline. Affected: yes. Observed: 1 variant allele.
Comment: TUBA8: BP4, BP7

PreventionGenetics, part of Exact Sciences
Classification: Likely benign for TUBA8-related condition. Last evaluated: 2019-06-20. Review status: no assertion criteria provided. Collection method: clinical testing. Allele origin: germline. Not counted in ClinVar's aggregate classification.
Comment: This variant is classified as likely benign based on ACMG/AMP sequence variant interpretation guidelines (Richards et al. 2015 PMID: 25741868, with internal and published modifications).

NM_018943.3(TUBA8):c.549G>A (p.Glu183=)

Gene: TUBA8 (tubulin alpha 8; plus strand). Cytogenetic location: 22q11.21.
Variant type: single nucleotide variant.
Coding change: c.549G>A on transcript NM_018943.3 (MANE Select); coding-DNA position 549, G replaced by A.
Protein change: p.Glu183=; no amino-acid change (glutamic acid 183 retained).
Molecular consequence: synonymous variant.
Genome position (GRCh38, 1-based): chr22:18,126,527, G>A. VCF-style: chr22-18126527-G-A. GRCh37 (hg19) VCF-style: chr22-18609294-G-A.
Other names: c.351G>A, p.Glu117= (NM_001193414.2); c.549G>A (NM_018943.2).
Identifiers: ClinVar variation 1585294 (VCV001585294.30), dbSNP rs375636209, ClinGen allele CA10093703.